The following is an entry in ClinVar:

NM_001349884.2(DRAM2):c.199+6T>G

Gene: DRAM2 (DNA damage regulated autophagy modulator 2; minus strand). Cytogenetic location: 1p13.3.
Variant type: single nucleotide variant.
Coding change: c.199+6T>G on transcript NM_001349884.2 (MANE Select); 6 bases into the intron after coding-DNA position 199, T replaced by G.
Molecular consequence: intron variant.
Genome position (GRCh38, 1-based): chr1:111,126,221, A>C on the plus strand (T>G on the coding strand, the complement: DRAM2 is on the minus strand). VCF-style: chr1-111126221-A-C. GRCh37 (hg19) VCF-style: chr1-111668843-A-C.
Other names: c.199+6T>G (NM_001349885.2, NM_178454.6, NM_001349882.2 and 1 more transcripts); c.-52+6T>G (NM_001349889.2, NM_001349890.2, NM_001349892.2 and 1 more transcripts); c.41+6T>G (NM_001349887.2, NM_001349886.2, NM_001349888.2); c.-220+6T>G (NM_001349891.2).
Identifiers: ClinVar variation 1521035 (VCV001521035.7), dbSNP rs758689447, ClinGen allele CA1001908.

ClinVar aggregate classification (germline): Uncertain significance. Review status: criteria provided, multiple submitters, no conflicts (2 of 4 stars). 2 submissions from 2 submitters: Uncertain significance (2). Last evaluated 2023-10-17.

Conditions:
Cone-rod dystrophy 21. Also called: Retinal dystrophy with early macular involvement. Identifiers: Orphanet 1872, MedGen C4049066, MONDO:0014669, OMIM 616502, HP:0030635.

Allele frequency attached by ClinVar (database versions not stated): gnomAD exomes below 0.00001 and 0.00001; ExAC 0.00001; TOPMed 0.00001.
gnomAD v4.1: 1 of 1,596,902 alleles (0.000063%); highest among the groups gnomAD compares: East Asian, 0.0022%; no homozygotes.

Submissions (2):

3billion
Classification: Uncertain significance for Cone-rod dystrophy 21. Last evaluated: 2023-10-17. Review status: criteria provided, single submitter. Criteria: ACMG Guidelines, 2015. Collection method: clinical testing. Allele origin: germline. Affected: yes.
Comment: The variant is observed at an extremely low frequency in the gnomAD v2.1.1 dataset (total allele frequency: 0.001%). Predicted Consequence/Location: Intron variant In silico tools predict the variant to alter splicing and produce an abnormal transcript [SpliceAI: 0.90 (>=0.2, moderate evidence for spliceogenicity)]. Therefore, this variant is classified as VUS according to the recommendation of ACMG/AMP guideline.

Labcorp Genetics (formerly Invitae), Labcorp
Classification: Uncertain significance. Last evaluated: 2022-09-27. Review status: criteria provided, single submitter. Criteria: Invitae Variant Classification Sherloc (09022015). Collection method: clinical testing. Allele origin: germline.
Comment: Variants that disrupt the consensus splice site are a relatively common cause of aberrant splicing (PMID: 17576681, 9536098). Algorithms developed to predict the effect of sequence changes on RNA splicing suggest that this variant may disrupt the consensus splice site. In summary, the available evidence is currently insufficient to determine the role of this variant in disease. Therefore, it has been classified as a Variant of Uncertain Significance. ClinVar contains an entry for this variant (Variation ID: 1521035). This sequence change falls in intron 4 of the DRAM2 gene. It does not directly change the encoded amino acid sequence of the DRAM2 protein. It affects a nucleotide within the consensus splice site. This variant is present in population databases (rs758689447, gnomAD 0.01%). This variant has not been reported in the literature in individuals affected with DRAM2-related conditions.

Literature cited by the submitters: PubMed 17576681 (cited by Labcorp Genetics (formerly Invitae), Labcorp); PubMed 9536098 (cited by Labcorp Genetics (formerly Invitae), Labcorp).